The following is an entry in ClinVar:

NM_173660.5(DOK7):c.1225C>T (p.Arg409Cys)

Gene: DOK7 (docking protein 7; plus strand). Cytogenetic location: 4p16.3.
Variant type: single nucleotide variant.
Coding change: c.1225C>T on transcript NM_173660.5 (MANE Select); coding-DNA position 1225, C replaced by T.
Protein change: p.Arg409Cys; replaces arginine 409 with cysteine.
Molecular consequence: missense variant. On other transcripts: 3 prime UTR variant (1).
Genome position (GRCh38, 1-based): chr4:3,493,211, C>T. VCF-style: chr4-3493211-C-T. GRCh37 (hg19) VCF-style: chr4-3494938-C-T.
Other names: c.*446C>T (NM_001164673.2); c.295C>T, p.Arg99Cys (NM_001256896.2); c.1225C>T, p.Arg409Cys (NM_001301071.2); c.793C>T, p.Arg265Cys (NM_001363811.2); short protein forms R409C, R265C, R99C.
Identifiers: ClinVar variation 534126 (VCV000534126.11), dbSNP rs199606134, ClinGen allele CA2829415.
Genomic context (GRCh38, chr4:3,493,211, plus strand): 5'-CTGCCCGGGACAGTCGAGTACCAGGTGCCCACCTCCCTGCGGGCCCACTATGACACACCA[C>T]GCAGCCTTTGCCTGGCTCCTAGAGACCACAGCCCCCCCTCACAGGGCAGCCCCGGCAACA-3'
Protein context (NP_775931.3, residues 399-419): TSLRAHYDTP[Arg409Cys]SLCLAPRDHS

ClinVar aggregate classification (germline): Uncertain significance. Review status: criteria provided, multiple submitters, no conflicts (2 of 4 stars). 3 submissions from 3 submitters: Uncertain significance (3). Last evaluated 2025-08-02.

Conditions:
Inborn genetic diseases. Identifiers: MedGen C0950123, MeSH D030342.
Fetal akinesia deformation sequence 1 (FADS1). Also called: Fetal akinesia sequence; Pena-Shokeir syndrome type I. Identifiers: Orphanet 994, MedGen C1276035, MONDO:0100101, OMIM 208150, HP:0001989.
Congenital myasthenic syndrome 10. Also called: Myasthenia, limb-girdle, familial. Identifiers: Orphanet 590, MedGen C1850792, MONDO:0009690, OMIM 254300.

Allele frequency attached by ClinVar (database versions not stated): ESP Exome Variant Server 0.00015; TOPMed 0.00031; gnomAD 0.00034 and 0.00036.
gnomAD v4.1: 538 of 1,611,724 alleles (0.033%); highest among the groups gnomAD compares: Non-Finnish European, 0.042%; no homozygotes.

Submissions (3):

Ambry Genetics
Classification: Uncertain significance for Inborn genetic diseases. Last evaluated: 2025-08-02. Review status: criteria provided, single submitter. Criteria: Ambry Variant Classification Scheme 2023. Collection method: clinical testing. Allele origin: germline.

Labcorp Genetics (formerly Invitae), Labcorp
Classification: Uncertain significance for Congenital myasthenic syndrome 10; Fetal akinesia deformation sequence 1. Last evaluated: 2022-09-06. Review status: criteria provided, single submitter. Criteria: Invitae Variant Classification Sherloc (09022015). Collection method: clinical testing. Allele origin: germline.
Comment: This sequence change replaces arginine, which is basic and polar, with cysteine, which is neutral and slightly polar, at codon 409 of the DOK7 protein (p.Arg409Cys). This variant is present in population databases (rs199606134, gnomAD 0.05%). This variant has not been reported in the literature in individuals affected with DOK7-related conditions. ClinVar contains an entry for this variant (Variation ID: 534126). Algorithms developed to predict the effect of missense changes on protein structure and function output the following: SIFT: "Deleterious"; PolyPhen-2: "Probably Damaging"; Align-GVGD: "Class C0". The cysteine amino acid residue is found in multiple mammalian species, which suggests that this missense change does not adversely affect protein function. In summary, the available evidence is currently insufficient to determine the role of this variant in disease. Therefore, it has been classified as a Variant of Uncertain Significance.

Revvity Omics, Revvity
Classification: Uncertain significance. Last evaluated: 2019-08-17. Review status: criteria provided, single submitter. Criteria: ACMG Guidelines, 2015. Collection method: clinical testing. Allele origin: germline.